The following is an entry in ClinVar:

NM_015295.3(SMCHD1):c.4201A>G (p.Ile1401Val)

Gene: SMCHD1 (structural maintenance of chromosomes flexible hinge domain containing 1; plus strand). Cytogenetic location: 18p11.32.
Variant type: single nucleotide variant.
Coding change: c.4201A>G on transcript NM_015295.3 (MANE Select); coding-DNA position 4201, A replaced by G.
Protein change: p.Ile1401Val; replaces isoleucine 1401 with valine.
Molecular consequence: missense variant.
Genome position (GRCh38, 1-based): chr18:2,751,313, A>G. VCF-style: chr18-2751313-A-G. GRCh37 (hg19) VCF-style: chr18-2751311-A-G.
Other names: short protein forms I1401V.
Identifiers: ClinVar variation 1447070 (VCV001447070.8), dbSNP rs1463980636, ClinGen allele CA401692637.
Genomic context (GRCh38, chr18:2,751,313, plus strand): 5'-AATTTTTTAACGTTTACCATGACAGATTTTATGATTAGTGTTATTTCTGAAGATGACAGT[A>G]TCATTAAAAACATTAATCCAGCACGTATTTCCATGAAAATGTGGAAGCTGTCTACCAGTG-3'
Protein context (NP_056110.2, residues 1391-1411): MISVISEDDS[Ile1401Val]IKNINPARIS

ClinVar aggregate classification (germline): Uncertain significance (1 of 4 stars; one submission).

Conditions:
Facioscapulohumeral muscular dystrophy 2 (FSHD2). Also called: MUSCULAR DYSTROPHY, FACIOSCAPULOHUMERAL, TYPE 1B; FACIOSCAPULOHUMERAL MUSCULAR DYSTROPHY 2, DIGENIC; FSHD2, DIGENIC. Identifiers: Orphanet 269, MedGen C1834671, MONDO:0008031, OMIM 158901.

Allele frequency attached by ClinVar (database versions not stated): gnomAD exomes below 0.00001; TOPMed 0.00001.

Submission:

Labcorp Genetics (formerly Invitae), Labcorp
Classification: Uncertain significance for Facioscapulohumeral muscular dystrophy 2. Last evaluated: 2022-01-12. Review status: criteria provided, single submitter. Criteria: Invitae Variant Classification Sherloc (09022015). Collection method: clinical testing. Allele origin: germline.
Comment: In summary, the available evidence is currently insufficient to determine the role of this variant in disease. Therefore, it has been classified as a Variant of Uncertain Significance. Algorithms developed to predict the effect of missense changes on protein structure and function output the following: SIFT: "Tolerated"; PolyPhen-2: "Benign"; Align-GVGD: "Class C0". The valine amino acid residue is found in multiple mammalian species, which suggests that this missense change does not adversely affect protein function. This variant has not been reported in the literature in individuals affected with SMCHD1-related conditions. The frequency data for this variant in the population databases is considered unreliable, as metrics indicate poor data quality at this position in the gnomAD database. This sequence change replaces isoleucine, which is neutral and non-polar, with valine, which is neutral and non-polar, at codon 1401 of the SMCHD1 protein (p.Ile1401Val).